The following is an entry in ClinVar:

NM_017780.4(CHD7):c.8790C>T (p.Ala2930=)

Gene: CHD7 (chromodomain helicase DNA binding protein 7; plus strand). Cytogenetic location: 8q12.2.
Variant type: single nucleotide variant.
Coding change: c.8790C>T on transcript NM_017780.4 (MANE Select); coding-DNA position 8790, C replaced by T.
Protein change: p.Ala2930=; no amino-acid change (alanine 2930 retained).
Molecular consequence: synonymous variant.
Genome position (GRCh38, 1-based): chr8:60,865,729, C>T. VCF-style: chr8-60865729-C-T. GRCh37 (hg19) VCF-style: chr8-61778288-C-T.
Other names: p.Ala2930=; c.2643C>T, p.Ala881= (NM_001316690.1).
Identifiers: ClinVar variation 158329 (VCV000158329.57), dbSNP rs61736186, ClinGen allele CA171780.

ClinVar aggregate classification (germline): Benign/Likely benign. Review status: criteria provided, multiple submitters, no conflicts (2 of 4 stars). 10 submissions from 10 submitters: Benign (5); Likely benign (5). Last evaluated 2026-06-01.

Conditions:
Inborn genetic diseases. Identifiers: MedGen C0950123, MeSH D030342.
CHARGE syndrome (CHARGE). Also called: CHARGE ASSOCIATION--COLOBOMA, HEART ANOMALY, CHOANAL ATRESIA, RETARDATION, GENITAL AND EAR ANOMALIES; Hittner Hirsch Kreh syndrome; Coloboma, heart anomaly, choanal atresia, retardation, genital and ear anomalies; CHARGE association; Hall-Hittner syndrome. Identifiers: Orphanet 138, MedGen C0265354, MONDO:0008965.
Hypogonadotropic hypogonadism 5 with or without anosmia (KAL5). Also called: HYPOGONADOTROPIC HYPOGONADISM 5 WITH ANOSMIA; HYPOGONADOTROPHIC HYPOGONADISM 5 WITHOUT ANOSMIA; CHD7-Related GnRH Deficiency (Kallmann Syndrome 5). Identifiers: Orphanet 478, MedGen C3552553, MONDO:0012880, OMIM 612370. Disease mechanism: loss of function.

Allele frequency attached by ClinVar (database versions not stated): ESP Exome Variant Server 0.00188; 1000 Genomes Project 0.00260; gnomAD exomes 0.00025 and 0.00055; ExAC 0.00062; gnomAD 0.00222 and 0.00229; TOPMed 0.00249; 1000 Genomes Project 30x 0.00328.
gnomAD v4.1: 707 of 1,611,432 alleles (0.044%); highest among the groups gnomAD compares: African/African-American, 0.84%; no homozygotes.

Submissions (10):

CeGaT Center for Human Genetics Tuebingen
Classification: Likely benign. Last evaluated: 2026-06-01. Review status: criteria provided, single submitter. Criteria: CeGaT Center For Human Genetics Tuebingen Variant Classification Criteria Version 2. Collection method: clinical testing. Allele origin: germline. Affected: yes. Observed: 4 variant alleles.
Comment: CHD7: BP4, BP7

Labcorp Genetics (formerly Invitae), Labcorp
Classification: Benign for CHARGE syndrome. Last evaluated: 2026-02-02. Review status: criteria provided, single submitter. Criteria: Invitae Variant Classification Sherloc (09022015). Collection method: clinical testing. Allele origin: germline.

Mayo Clinic Laboratories, Mayo Clinic
Classification: Likely benign. Last evaluated: 2025-08-12. Review status: criteria provided, single submitter. Criteria: ACMG Guidelines, 2015. Collection method: clinical testing. Allele origin: germline. Observed: 2 variant alleles.
Comment: BS1, BP4, BP7

Blueprint Genetics
Classification: Likely benign. Last evaluated: 2024-11-06. Review status: criteria provided, single submitter. Criteria: ACMG Guidelines, 2015. Collection method: clinical testing. Allele origin: germline.

Fulgent Genetics
Classification: Benign for CHD7-related CHARGE syndrome; Hypogonadotropic hypogonadism 5 with or without anosmia. Last evaluated: 2021-10-20. Review status: criteria provided, single submitter. Criteria: ACMG Guidelines, 2015. Collection method: clinical testing. Allele origin: unknown.

GeneDx
Classification: Benign. Last evaluated: 2019-02-05. Review status: criteria provided, single submitter. Criteria: GeneDx Variant Classification Process June 2021. Collection method: clinical testing. Allele origin: germline. Affected: yes.

Laboratory for Molecular Medicine, Mass General Brigham Personalized Medicine
Classification: Benign. Last evaluated: 2017-08-23. Review status: criteria provided, single submitter. Criteria: LMM Criteria. Collection method: clinical testing. Allele origin: germline. Observed: 1 variant allele.
Comment: p.Ala2930Ala in exon 38 of CHD7: This variant is not expected to have clinical significance because it does not alter an amino acid residue, is not located within the splice consensus sequence, and has been identified in 0.73% (71/9768) of African chromosomes by the Exome Aggregation Consortium (ExAC; dbSNP rs61736186).

Ambry Genetics
Classification: Likely benign for Inborn genetic diseases. Last evaluated: 2016-06-06. Review status: criteria provided, single submitter. Criteria: Ambry Variant Classification Scheme 2023. Collection method: clinical testing. Allele origin: germline.

Eurofins Ntd Llc (ga)
Classification: Benign. Last evaluated: 2014-05-08. Review status: criteria provided, single submitter. Criteria: EGL Classification Definitions 2015. Collection method: clinical testing. Allele origin: germline. Observed: 1 variant allele, 1 heterozygote.

Genetic Services Laboratory, University of Chicago
Classification: Likely benign. Last evaluated: 2014-03-17. Review status: criteria provided, single submitter. Criteria: ACMG Guidelines, 2007. Collection method: clinical testing. Allele origin: germline. Inheritance: Autosomal dominant inheritance.
Comment: Likely benign based on allele frequency in 1000 Genomes Project or ESP global frequency and its presence in a patient with a rare or unrelated disease phenotype. NOT Sanger confirmed